The following is an entry in ClinVar:

ClinVar aggregate classification (germline): Uncertain significance (1 of 4 stars; one submission).

Conditions:
GDAP1-related disorder. Also called: GDAP1-related condition; GDAP1-related disorders.

Submission:

3billion
Classification: Uncertain significance for GDAP1-related disorder. Last evaluated: 2025-10-08. Review status: criteria provided, single submitter. Criteria: ACMG Guidelines, 2015. Collection method: clinical testing. Allele origin: germline. Affected: yes.
Comment: The variant is not observed in the gnomAD v4.1.0 dataset. Predicted Consequence/Location: Missense variant In silico tool predictions suggest damaging effect of the variant on gene or gene product [3Cnet: 1.00 (> 0.75, sensitivity 0.96 and precision 0.92)]. A different missense change at the same codon (p.Pro119Thr) has been reported as pathogenic/likely pathogenic with strong evidence (ClinVar ID: VCV000802414 /PMID: 31827005). Therefore, this variant is classified as VUS according to the recommendation of ACMG/AMP guideline.

Literature cited by the submitters: PubMed 31827005.

NM_018972.4(GDAP1):c.355C>T (p.Pro119Ser)

Gene: GDAP1 (ganglioside induced differentiation associated protein 1; plus strand). Cytogenetic location: 8q21.11.
Variant type: single nucleotide variant.
Coding change: c.355C>T on transcript NM_018972.4 (MANE Select); coding-DNA position 355, C replaced by T.
Protein change: p.Pro119Ser; replaces proline 119 with serine.
Molecular consequence: missense variant. On other transcripts: intron variant (1).
Genome position (GRCh38, 1-based): chr8:74,360,181, C>T. VCF-style: chr8-74360181-C-T. GRCh37 (hg19) VCF-style: chr8-75272416-C-T.
Other names: c.151C>T, p.Pro51Ser (NM_001040875.4); c.28C>T, p.Pro10Ser (NM_001362929.2, NM_001362932.2); c.355C>T, p.Pro119Ser (NM_001362931.2); c.311-1703C>T (NM_001362930.2); short protein forms P10S, P119S, P51S.
Identifiers: ClinVar variation 4854283 (VCV004854283.1).